The following is an entry in ClinVar:

ClinVar aggregate classification (germline): Uncertain significance (1 of 4 stars; one submission).

Conditions:
Ventricular arrhythmias due to cardiac ryanodine receptor calcium release deficiency syndrome. Also called: Autosomal dominant cardiac arrhythmia (Kuhn). Identifiers: MedGen C5542154, MONDO:0020745, OMIM 115000.
Catecholaminergic polymorphic ventricular tachycardia 1. Also called: VENTRICULAR TACHYCARDIA, CATECHOLAMINERGIC POLYMORPHIC, 1, WITH OR WITHOUT ATRIAL DYSFUNCTION AND/OR DILATED CARDIOMYOPATHY; VENTRICULAR TACHYCARDIA, STRESS-INDUCED POLYMORPHIC 1; RYR2-Related Catecholaminergic Polymorphic Ventricular Tachycardia. Identifiers: Orphanet 3286, MedGen C1631597, MONDO:0011484, OMIM 604772.

Submission:

Juno Genomics, Hangzhou Juno Genomics, Inc
Classification: Uncertain significance for Ventricular arrhythmias due to cardiac ryanodine receptor calcium release deficiency syndrome; Catecholaminergic polymorphic ventricular tachycardia 1. Review status: criteria provided, single submitter. Criteria: ACMG Guidelines, 2015. Collection method: clinical testing. Allele origin: germline.
Comment: Absent from controls (or at extremely low frequency if recessive) in Genome Aggregation Database.;Missense variant in a gene that has a low rate of benign missense variation.;Multiple lines of computational evidence support a deleterious effect on the gene or gene product.

NM_001035.3(RYR2):c.4927G>C (p.Glu1643Gln)

Gene: RYR2 (ryanodine receptor 2; plus strand). Cytogenetic location: 1q43.
Variant type: single nucleotide variant.
Coding change: c.4927G>C on transcript NM_001035.3 (MANE Select); coding-DNA position 4927, G replaced by C.
Protein change: p.Glu1643Gln; replaces glutamic acid 1643 with glutamine.
Molecular consequence: missense variant.
Genome position (GRCh38, 1-based): chr1:237,614,055, G>C. VCF-style: chr1-237614055-G-C. GRCh37 (hg19) VCF-style: chr1-237777355-G-C.
Other names: short protein forms E1643Q.
Identifiers: ClinVar variation 5006325 (VCV005006325.2).